The following is an entry in ClinVar:

NM_032590.5(KDM2B):c.2334G>C (p.Ser778=)

Gene: KDM2B (lysine demethylase 2B; minus strand). Cytogenetic location: 12q24.31.
Variant type: single nucleotide variant.
Coding change: c.2334G>C on transcript NM_032590.5 (MANE Select); coding-DNA position 2334, G replaced by C.
Protein change: p.Ser778=; no amino-acid change (serine 778 retained).
Molecular consequence: synonymous variant.
Genome position (GRCh38, 1-based): chr12:121,444,129, C>G on the plus strand (G>C on the coding strand, the complement: KDM2B is on the minus strand). VCF-style: chr12-121444129-C-G. GRCh37 (hg19) VCF-style: chr12-121881932-C-G.
Other names: c.2241G>C, p.Ser747= (NM_001005366.2).
Identifiers: ClinVar variation 3042707 (VCV003042707.15), dbSNP rs200295291, ClinGen allele CA6836596.

ClinVar aggregate classification (germline): Likely benign. Review status: criteria provided, single submitter (1 of 4 stars). 2 submissions from 2 submitters: Likely benign (1). 1 of the submissions does not count toward it. Last evaluated 2025-01-01.

Conditions:
KDM2B-related disorder. Also called: KDM2B-related condition.

Allele frequency attached by ClinVar (database versions not stated): ESP Exome Variant Server 0.00048.
gnomAD v4.1: 1,964 of 1,612,984 alleles (0.12%); highest among the groups gnomAD compares: Non-Finnish European, 0.15%; 3 homozygotes.

Submissions (2):

CeGaT Center for Human Genetics Tuebingen
Classification: Likely benign. Last evaluated: 2025-01-01. Review status: criteria provided, single submitter. Criteria: CeGaT Center For Human Genetics Tuebingen Variant Classification Criteria Version 2. Collection method: clinical testing. Allele origin: germline. Affected: yes. Observed: 1 variant allele.
Comment: KDM2B: BP4, BP7

PreventionGenetics, part of Exact Sciences
Classification: Likely benign for KDM2B-related condition. Last evaluated: 2019-06-24. Review status: no assertion criteria provided. Collection method: clinical testing. Allele origin: germline. Not counted in ClinVar's aggregate classification.
Comment: This variant is classified as likely benign based on ACMG/AMP sequence variant interpretation guidelines (Richards et al. 2015 PMID: 25741868, with internal and published modifications).